The following is an entry in ClinVar:

NM_016222.4(DDX41):c.298+1G>A

Gene: DDX41 (DEAD-box helicase 41; minus strand). Cytogenetic location: 5q35.3.
Variant type: single nucleotide variant.
Coding change: c.298+1G>A on transcript NM_016222.4 (MANE Select); the canonical splice donor site of the intron after coding-DNA position 298, G replaced by A.
Molecular consequence: splice donor variant.
Genome position (GRCh38, 1-based): chr5:177,516,287, C>T on the plus strand (G>A on the coding strand, the complement: DDX41 is on the minus strand). VCF-style: chr5-177516287-C-T. GRCh37 (hg19) VCF-style: chr5-176943288-C-T.
Other names: c.-81+1G>A (NM_001321830.2, NM_001321732.2).
Identifiers: ClinVar variation 4841790 (VCV004841790.1).

ClinVar aggregate classification (germline): Likely pathogenic (1 of 4 stars; one submission).

Conditions:
Inborn genetic diseases. Identifiers: MedGen C0950123, MeSH D030342.

Submission:

Ambry Genetics
Classification: Likely pathogenic for Inborn genetic diseases. Last evaluated: 2026-03-09. Review status: criteria provided, single submitter. Criteria: Ambry Variant Classification Scheme 2023. Collection method: clinical testing. Allele origin: germline.
Comment: The c.298+1G>A intronic variant results from a G to A substitution one nucleotide after coding exon 3 of the DDX41 gene. This variant is considered to be rare based on population cohorts in the Genome Aggregation Database (gnomAD). This nucleotide position is highly conserved in available vertebrate species. In silico splice site analysis predicts that this alteration will weaken the native splice donor site. Alterations that disrupt the canonical splice site are expected to cause aberrant splicing, resulting in an abnormal protein or a transcript that is subject to nonsense-mediated mRNA decay. As such, this alteration is classified as likely pathogenic.